The following is an entry in ClinVar:

NM_000228.3(LAMB3):c.2640G>C (p.Gln880His)

Gene: LAMB3 (laminin subunit beta 3; minus strand). Cytogenetic location: 1q32.2.
Variant type: single nucleotide variant.
Coding change: c.2640G>C on transcript NM_000228.3 (MANE Select); coding-DNA position 2640, G replaced by C.
Protein change: p.Gln880His; replaces glutamine 880 with histidine.
Molecular consequence: missense variant.
Genome position (GRCh38, 1-based): chr1:209,622,597, C>G on the plus strand (G>C on the coding strand, the complement: LAMB3 is on the minus strand). VCF-style: chr1-209622597-C-G. GRCh37 (hg19) VCF-style: chr1-209795942-C-G.
Other names: c.2640G>C, p.Gln880His (NM_001017402.2, NM_001127641.1); short protein forms Q880H.
Identifiers: ClinVar variation 875091 (VCV000875091.8), dbSNP rs200322380, ClinGen allele CA1375159.

ClinVar aggregate classification (germline): Uncertain significance. Review status: criteria provided, multiple submitters, no conflicts (2 of 4 stars). 4 submissions from 4 submitters: Uncertain significance (3). 1 of the submissions does not count toward it. Last evaluated 2025-10-23.

Conditions:
LAMB3-related disorder. Also called: LAMB3-related condition.
Junctional epidermolysis bullosa. Identifiers: Orphanet 305, MedGen C0079301, MONDO:0017612.
Inborn genetic diseases. Identifiers: MedGen C0950123, MeSH D030342.

Allele frequency attached by ClinVar (database versions not stated): gnomAD exomes 0.00009 and 0.00012; ExAC 0.00017; TOPMed 0.00011.
gnomAD v4.1: 144 of 1,614,022 alleles (0.0089%); highest among the groups gnomAD compares: Non-Finnish European, 0.011%; no homozygotes.

Submissions (4):

Ambry Genetics
Classification: Uncertain significance for Inborn genetic diseases. Last evaluated: 2025-10-23. Review status: criteria provided, single submitter. Criteria: Ambry Variant Classification Scheme 2023. Collection method: clinical testing. Allele origin: germline.

Labcorp Genetics (formerly Invitae), Labcorp
Classification: Uncertain significance. Last evaluated: 2024-12-19. Review status: criteria provided, single submitter. Criteria: Invitae Variant Classification Sherloc (09022015). Collection method: clinical testing. Allele origin: germline.
Comment: This sequence change replaces glutamine, which is neutral and polar, with histidine, which is basic and polar, at codon 880 of the LAMB3 protein (p.Gln880His). This variant is present in population databases (rs200322380, gnomAD 0.03%). This variant has not been reported in the literature in individuals affected with LAMB3-related conditions. ClinVar contains an entry for this variant (Variation ID: 875091). Invitae Evidence Modeling of protein sequence and biophysical properties (such as structural, functional, and spatial information, amino acid conservation, physicochemical variation, residue mobility, and thermodynamic stability) indicates that this missense variant is not expected to disrupt LAMB3 protein function with a negative predictive value of 80%. In summary, the available evidence is currently insufficient to determine the role of this variant in disease. Therefore, it has been classified as a Variant of Uncertain Significance.

Illumina Laboratory Services, Illumina
Classification: Uncertain significance for Junctional epidermolysis bullosa. Last evaluated: 2018-01-13. Review status: criteria provided, single submitter. Criteria: ICSL Variant Classification Criteria 13 December 2019. Collection method: clinical testing. Allele origin: germline.

PreventionGenetics, part of Exact Sciences
Classification: Uncertain significance for LAMB3-related condition. Last evaluated: 2024-09-19. Review status: no assertion criteria provided. Collection method: clinical testing. Allele origin: germline. Not counted in ClinVar's aggregate classification.
Comment: The LAMB3 c.2640G>C variant is predicted to result in the amino acid substitution p.Gln880His. To our knowledge, this variant has not been reported in the literature. This variant is reported in 0.026% of alleles in individuals of European (Non-Finnish) descent in gnomAD. At this time, the clinical significance of this variant is uncertain due to the absence of conclusive functional and genetic evidence.